The following is an entry in ClinVar:

NM_012418.4(FSCN2):c.235_251del (p.Cys79fs)

Gene: FSCN2 (fascin actin-bundling protein 2, retinal; plus strand). Cytogenetic location: 17q25.3.
Variant type: Deletion.
Coding change: c.235_251del on transcript NM_012418.4 (MANE Select); coding-DNA positions 235 to 251, 17 bases deleted (TGTGAGGCAGAGCAGCC).
Protein change: p.Cys79fs; shifts the reading frame from cysteine 79.
Molecular consequence: frameshift variant.
Genome position (GRCh38, 1-based): chr17:81,528,766-81,528,782, TGTGAGGCAGAGCAGCC deleted; deleting any 17 consecutive bases within chr17:81,528,763-81,528,782 gives the same sequence; the c. name uses the placement nearest the transcript's 3' end. VCF-style (leftmost placement, unchanged base first): chr17-81528762-GGCCTGTGAGGCAGAGCA-G. GRCh37 (hg19) VCF-style: chr17-79495788-GGCCTGTGAGGCAGAGCA-G.
Other names: c.235_251del, p.Cys79fs (NM_001077182.3); short protein forms C79fs.
Identifiers: ClinVar variation 1038372 (VCV001038372.6), dbSNP rs2032437028, ClinGen allele CA2278550655.

ClinVar aggregate classification (germline): Uncertain significance (1 of 4 stars; one submission).

Submission:

Labcorp Genetics (formerly Invitae), Labcorp
Classification: Uncertain significance. Last evaluated: 2021-04-16. Review status: criteria provided, single submitter. Criteria: Invitae Variant Classification Sherloc (09022015). Collection method: clinical testing. Allele origin: germline.
Comment: The current clinical and genetic evidence is not sufficient to establish whether loss-of-function variants in FSCN2 cause disease. This sequence change creates a premature translational stop signal (p.Cys79Glyfs*3) in the FSCN2 gene. It is expected to result in an absent or disrupted protein product. The frequency data for this variant in the population databases is considered unreliable, as metrics indicate insufficient coverage at this position in the ExAC database. This variant has not been reported in the literature in individuals with FSCN2-related conditions. In summary, the available evidence is currently insufficient to determine the role of this variant in disease. Therefore, it has been classified as a Variant of Uncertain Significance.